The following is an entry in ClinVar:

NM_001126128.2(PROK2):c.130A>G (p.Met44Val)

Gene: PROK2 (prokineticin 2; minus strand). Cytogenetic location: 3p13.
Variant type: single nucleotide variant.
Coding change: c.130A>G on transcript NM_001126128.2 (MANE Select); coding-DNA position 130, A replaced by G.
Protein change: p.Met44Val; replaces methionine 44 with valine.
Molecular consequence: missense variant.
Genome position (GRCh38, 1-based): chr3:71,781,559, T>C on the plus strand (A>G on the coding strand, the complement: PROK2 is on the minus strand). VCF-style: chr3-71781559-T-C. GRCh37 (hg19) VCF-style: chr3-71830710-T-C.
Other names: c.130A>G, p.Met44Val (NM_021935.4); short protein forms M44V.
Identifiers: ClinVar variation 3356363 (VCV003356363.1).

ClinVar aggregate classification (germline): Uncertain significance (0 of 4 stars; one submission).

Conditions:
PROK2-related disorder. Also called: PROK2-related condition.

Submission:

PreventionGenetics, part of Exact Sciences
Classification: Uncertain significance for PROK2-related condition. Last evaluated: 2024-06-28. Review status: no assertion criteria provided. Collection method: clinical testing. Allele origin: germline.
Comment: The PROK2 c.130A>G variant is predicted to result in the amino acid substitution p.Met44Val. To our knowledge, this variant has not been reported in the literature. This variant is reported in 0.0080% of alleles in individuals of African descent in gnomAD. At this time, the clinical significance of this variant is uncertain due to the absence of conclusive functional and genetic evidence.